The following is an entry in ClinVar:

NM_018975.4(TERF2IP):c.553C>A (p.Leu185Ile)

Gene: TERF2IP (TERF2 interacting protein; plus strand). Cytogenetic location: 16q23.1.
Variant type: single nucleotide variant.
Coding change: c.553C>A on transcript NM_018975.4 (MANE Select); coding-DNA position 553, C replaced by A.
Protein change: p.Leu185Ile; replaces leucine 185 with isoleucine.
Molecular consequence: missense variant. On other transcripts: non-coding transcript variant (1).
Genome position (GRCh38, 1-based): chr16:75,648,435, C>A. VCF-style: chr16-75648435-C-A. GRCh37 (hg19) VCF-style: chr16-75682333-C-A.
Other names: short protein forms L185I.
Identifiers: ClinVar variation 4711625 (VCV004711625.1).

ClinVar aggregate classification (germline): Uncertain significance (1 of 4 stars; one submission).

gnomAD v4.1: 1 of 1,603,802 alleles (0.000062%); no homozygotes.

Submission:

Labcorp Genetics (formerly Invitae), Labcorp
Classification: Uncertain significance. Last evaluated: 2025-12-11. Review status: criteria provided, single submitter. Criteria: Invitae Variant Classification Sherloc (09022015). Collection method: clinical testing. Allele origin: germline.
Comment: This sequence change replaces leucine, which is neutral and non-polar, with isoleucine, which is neutral and non-polar, at codon 185 of the TERF2IP protein (p.Leu185Ile). This variant is not present in population databases (gnomAD no frequency). This variant has not been reported in the literature in individuals affected with TERF2IP-related conditions. An algorithm developed to predict the effect of missense changes on protein structure and function (PolyPhen-2) suggests that this variant is likely to be disruptive. In summary, the available evidence is currently insufficient to determine the role of this variant in disease. Therefore, it has been classified as a Variant of Uncertain Significance.